The following is an entry in ClinVar:

ClinVar aggregate classification (germline): Uncertain significance (1 of 4 stars; one submission).

Conditions:
Brugada syndrome. Also called: Sudden Unexplained Death Syndrome; Sudden Unexplained Nocturnal Death Syndrome (SUNDS); Sudden unexpected nocturnal death syndrome; Sudden unexplained nocturnal death syndrome. Identifiers: Orphanet 130, MedGen C1142166, MONDO:0015263.

Submission:

Labcorp Genetics (formerly Invitae), Labcorp
Classification: Uncertain significance for Brugada syndrome. Last evaluated: 2024-04-25. Review status: criteria provided, single submitter. Criteria: Invitae Variant Classification Sherloc (09022015). Collection method: clinical testing. Allele origin: germline.
Comment: This sequence change replaces isoleucine, which is neutral and non-polar, with threonine, which is neutral and polar, at codon 145 of the CACNA2D1 protein (p.Ile145Thr). This variant is not present in population databases (gnomAD no frequency). This variant has not been reported in the literature in individuals affected with CACNA2D1-related conditions. An algorithm developed to predict the effect of missense changes on protein structure and function (PolyPhen-2) suggests that this variant is likely to be disruptive. In summary, the available evidence is currently insufficient to determine the role of this variant in disease. Therefore, it has been classified as a Variant of Uncertain Significance.

NM_000722.4(CACNA2D1):c.434T>C (p.Ile145Thr)

Gene: CACNA2D1 (calcium voltage-gated channel auxiliary subunit alpha2delta 1; minus strand). Cytogenetic location: 7q21.11.
Variant type: single nucleotide variant.
Coding change: c.434T>C on transcript NM_000722.4 (MANE Select); coding-DNA position 434, T replaced by C.
Protein change: p.Ile145Thr; replaces isoleucine 145 with threonine.
Molecular consequence: missense variant.
Genome position (GRCh38, 1-based): chr7:82,117,136, A>G on the plus strand (T>C on the coding strand, the complement: CACNA2D1 is on the minus strand). VCF-style: chr7-82117136-A-G. GRCh37 (hg19) VCF-style: chr7-81746452-A-G.
Other names: c.434T>C, p.Ile145Thr (NM_001302890.2, NM_001366867.1); short protein forms I145T.
Identifiers: ClinVar variation 3650784 (VCV003650784.2).